The following is an entry in ClinVar:

ClinVar aggregate classification (germline): Uncertain significance (1 of 4 stars; one submission).

Conditions:
Holoprosencephaly 11 (HPE11). Identifiers: Orphanet 2162, MedGen C3280215, MONDO:0013642, OMIM 614226.

Submission:

Genetics and Molecular Pathology, SA Pathology
Classification: Uncertain significance for Holoprosencephaly 11. Last evaluated: 2022-08-04. Review status: criteria provided, single submitter. Criteria: ACMG Guidelines, 2015. Collection method: clinical testing. Allele origin: germline. Inheritance: Autosomal dominant inheritance. Affected: yes.
Comment: The CDON c.1177G>A variant is classified as a VARIANT of UNCERTAIN SIGNIFICANCE (PS2_moderate, PM2) The CDON c.1177G>A variant is a single nucleotide change in exon 7/20 of the CDON gene, which is predicted to change the amino acid glycine at position 393 in the protein to arginine. This variant is absent from population databases (PM2). This variant has not been reported in dbSNP, ClinVar or HGMD.

NM_001378964.1(CDON):c.1177G>A (p.Gly393Arg)

Gene: CDON (cell adhesion associated, oncogene regulated; minus strand). Cytogenetic location: 11q24.2.
Variant type: single nucleotide variant.
Coding change: c.1177G>A on transcript NM_001378964.1 (MANE Select); coding-DNA position 1177, G replaced by A.
Protein change: p.Gly393Arg; replaces glycine 393 with arginine.
Molecular consequence: missense variant.
Genome position (GRCh38, 1-based): chr11:126,015,262, C>T on the plus strand (G>A on the coding strand, the complement: CDON is on the minus strand). VCF-style: chr11-126015262-C-T. GRCh37 (hg19) VCF-style: chr11-125885157-C-T.
Other names: c.1177G>A, p.Gly393Arg (NM_001243597.3, NM_016952.6); short protein forms G393R.
Identifiers: ClinVar variation 1803255 (VCV001803255.1), dbSNP rs2497218138, ClinGen allele CA383209995.